The following is an entry in ClinVar:

ClinVar aggregate classification (germline): Uncertain significance. Review status: criteria provided, single submitter (1 of 4 stars). 2 submissions from 2 submitters: Uncertain significance (1). 1 of the submissions does not count toward it. Last evaluated 2025-12-01.

Conditions:
PCNT-related disorder. Also called: PCNT-related condition.

Submissions (2):

Labcorp Genetics (formerly Invitae), Labcorp
Classification: Uncertain significance. Last evaluated: 2025-12-01. Review status: criteria provided, single submitter. Criteria: Invitae Variant Classification Sherloc (09022015). Collection method: clinical testing. Allele origin: germline.
Comment: This sequence change replaces glutamine, which is neutral and polar, with histidine, which is basic and polar, at codon 261 of the PCNT protein (p.Gln261His). The frequency data for this variant in the population databases is considered unreliable, as metrics indicate poor data quality at this position in the gnomAD database. This variant has not been reported in the literature in individuals affected with PCNT-related conditions. ClinVar contains an entry for this variant (Variation ID: 3351844). An algorithm developed to predict the effect of missense changes on protein structure and function (PolyPhen-2) suggests that this variant is likely to be disruptive. In summary, the available evidence is currently insufficient to determine the role of this variant in disease. Therefore, it has been classified as a Variant of Uncertain Significance.

PreventionGenetics, part of Exact Sciences
Classification: Uncertain significance for PCNT-related condition. Last evaluated: 2024-07-25. Review status: no assertion criteria provided. Collection method: clinical testing. Allele origin: germline. Not counted in ClinVar's aggregate classification.
Comment: The PCNT c.783G>T variant is predicted to result in the amino acid substitution p.Gln261His. To our knowledge, this variant has not been reported in the literature. This variant is reported in 0.0093% of alleles in individuals of European (Non-Finnish) descent in gnomAD. At this time, the clinical significance of this variant is uncertain due to the absence of conclusive functional and genetic evidence.

NM_006031.6(PCNT):c.783G>T (p.Gln261His)

Gene: PCNT (pericentrin; plus strand). Cytogenetic location: 21q22.3.
Variant type: single nucleotide variant.
Coding change: c.783G>T on transcript NM_006031.6 (MANE Select); coding-DNA position 783, G replaced by T.
Protein change: p.Gln261His; replaces glutamine 261 with histidine.
Molecular consequence: missense variant.
Genome position (GRCh38, 1-based): chr21:46,346,805, G>T. VCF-style: chr21-46346805-G-T. GRCh37 (hg19) VCF-style: chr21-47766719-G-T.
Other names: c.429G>T, p.Gln143His (NM_001315529.2); short protein forms Q143H, Q261H.
Identifiers: ClinVar variation 3351844 (VCV003351844.2).